The following is an entry in ClinVar:

NM_177438.3(DICER1):c.1701C>G (p.Asp567Glu)

Gene: DICER1 (dicer 1, ribonuclease III; minus strand). Cytogenetic location: 14q32.13.
Variant type: single nucleotide variant.
Coding change: c.1701C>G on transcript NM_177438.3 (MANE Select); coding-DNA position 1701, C replaced by G.
Protein change: p.Asp567Glu; replaces aspartic acid 567 with glutamic acid.
Molecular consequence: missense variant.
Genome position (GRCh38, 1-based): chr14:95,116,504, G>C on the plus strand (C>G on the coding strand, the complement: DICER1 is on the minus strand). VCF-style: chr14-95116504-G-C. GRCh37 (hg19) VCF-style: chr14-95582841-G-C.
Other names: c.1701C>G, p.Asp567Glu (NM_001195573.1, NM_001271282.3, NM_001291628.2 and 1 more transcripts); c.1701C>G (NM_177438.2); short protein forms D567E.
Identifiers: ClinVar variation 1052560 (VCV001052560.11), dbSNP rs1229773803, ClinGen allele CA390884763.

ClinVar aggregate classification (germline): Uncertain significance. Review status: criteria provided, multiple submitters, no conflicts (2 of 4 stars). 2 submissions from 2 submitters: Uncertain significance (2). Last evaluated 2025-04-17.

Conditions:
Hereditary cancer-predisposing syndrome. Also called: Hereditary Cancer Syndrome; Tumor predisposition; Hereditary neoplastic syndrome; Neoplastic Syndromes, Hereditary. Identifiers: Orphanet 140162, MedGen C0027672, MeSH D009386, MONDO:0015356.
DICER1-related tumor predisposition. Also called: DICER1-related pleuropulmonary blastoma cancer predisposition syndrome; DICER1 syndrome. Identifiers: Orphanet 284343, MedGen C3839822, MONDO:0100216.

Allele frequency attached by ClinVar (database versions not stated): TOPMed below 0.00001.

Submissions (2):

Labcorp Genetics (formerly Invitae), Labcorp
Classification: Uncertain significance for DICER1-related tumor predisposition. Last evaluated: 2025-04-17. Review status: criteria provided, single submitter. Criteria: Invitae Variant Classification Sherloc (09022015). Collection method: clinical testing. Allele origin: germline.
Comment: This sequence change replaces aspartic acid, which is acidic and polar, with glutamic acid, which is acidic and polar, at codon 567 of the DICER1 protein (p.Asp567Glu). This variant is not present in population databases (gnomAD no frequency). This variant has not been reported in the literature in individuals affected with DICER1-related conditions. ClinVar contains an entry for this variant (Variation ID: 1052560). Invitae Evidence Modeling of protein sequence and biophysical properties (such as structural, functional, and spatial information, amino acid conservation, physicochemical variation, residue mobility, and thermodynamic stability) indicates that this missense variant is not expected to disrupt DICER1 protein function with a negative predictive value of 95%. In summary, the available evidence is currently insufficient to determine the role of this variant in disease. Therefore, it has been classified as a Variant of Uncertain Significance.

Ambry Genetics
Classification: Uncertain significance for Hereditary cancer-predisposing syndrome. Last evaluated: 2022-12-16. Review status: criteria provided, single submitter. Criteria: Ambry Variant Classification Scheme 2023. Collection method: clinical testing. Allele origin: germline.
Comment: The p.D567E variant (also known as c.1701C>G), located in coding exon 9 of the DICER1 gene, results from a C to G substitution at nucleotide position 1701. The aspartic acid at codon 567 is replaced by glutamic acid, an amino acid with highly similar properties. This amino acid position is conserved. In addition, this alteration is predicted to be tolerated by in silico analysis. Since supporting evidence is limited at this time, the clinical significance of this alteration remains unclear.